The following is an entry in ClinVar:

NM_005866.4(SIGMAR1):c.562G>A (p.Asp188Asn)

Gene: SIGMAR1 (sigma receptor chaperone 1; minus strand). Cytogenetic location: 9p13.3.
Variant type: single nucleotide variant.
Coding change: c.562G>A on transcript NM_005866.4 (MANE Select); coding-DNA position 562, G replaced by A.
Protein change: p.Asp188Asn; replaces aspartic acid 188 with asparagine.
Molecular consequence: missense variant. On other transcripts: 3 prime UTR variant (2), non-coding transcript variant (1), intron variant (1).
Genome position (GRCh38, 1-based): chr9:34,635,742, C>T on the plus strand (G>A on the coding strand, the complement: SIGMAR1 is on the minus strand). VCF-style: chr9-34635742-C-T. GRCh37 (hg19) VCF-style: chr9-34635739-C-T.
Other names: c.262G>A, p.Asp88Asn (NM_001282206.2); c.502G>A, p.Asp168Asn (NM_001282207.2); c.*105G>A (NM_001282208.2); c.*89G>A (NM_001282209.2); c.469G>A, p.Asp157Asn (NM_147157.3); c.446-102G>A (NM_001282205.2); short protein forms D168N, D188N, D157N, D88N.
Identifiers: ClinVar variation 2029202 (VCV002029202.4), dbSNP rs755288111, ClinGen allele CA5035833.
Genomic context (GRCh38, chr9:34,635,742, plus strand): 5'-GAGCATAGGAGCGAAGAGTATAGAAGAGGGTGAGGAAGTCCTGGGTGCTGAAGACAGTGT[C>T]GGCCAGCGCGAAGGCCAGGGTGGATGGGATGACGCCCCGGCCGTACTCCACCATCCATGT-3'
Protein context (NP_005857.1, residues 178-198): IPSTLAFALA[Asp188Asn]TVFSTQDFLT

ClinVar aggregate classification (germline): Uncertain significance (1 of 4 stars; one submission).

Conditions:
Autosomal recessive distal spinal muscular atrophy 2. Also called: NEUROPATHY, DISTAL HEREDITARY MOTOR, AUTOSOMAL RECESSIVE 2; NEURONOPATHY, DISTAL HEREDITARY MOTOR, JERASH TYPE; NEUROPATHY, DISTAL HEREDITARY MOTOR, JERASH TYPE; SPINAL MUSCULAR ATROPHY, JERASH TYPE; Hereditary motor neuropathy, Jerash type; Motor neuropathy, distal, Jerash type. Identifiers: Orphanet 139552, MedGen C1854023, MONDO:0011585, OMIM 605726.
Amyotrophic lateral sclerosis type 16. Also called: AMYOTROPHIC LATERAL SCLEROSIS 16, JUVENILE. Identifiers: Orphanet 300605, MedGen C3280587, MONDO:0013715, OMIM 614373.

Allele frequency attached by ClinVar (database versions not stated): gnomAD exomes below 0.00001; gnomAD 0.00001; TOPMed below 0.00001; ExAC 0.00001.
gnomAD v4.1: 8 of 1,614,112 alleles (0.0005%); highest among the groups gnomAD compares: East Asian, 0.0022%; no homozygotes.

Submission:

Labcorp Genetics (formerly Invitae), Labcorp
Classification: Uncertain significance for Autosomal recessive distal spinal muscular atrophy 2; Amyotrophic lateral sclerosis type 16. Last evaluated: 2022-04-04. Review status: criteria provided, single submitter. Criteria: Invitae Variant Classification Sherloc (09022015). Collection method: clinical testing. Allele origin: germline.
Comment: This variant has not been reported in the literature in individuals affected with SIGMAR1-related conditions. In summary, the available evidence is currently insufficient to determine the role of this variant in disease. Therefore, it has been classified as a Variant of Uncertain Significance. Algorithms developed to predict the effect of missense changes on protein structure and function are either unavailable or do not agree on the potential impact of this missense change (SIFT: "Tolerated"; PolyPhen-2: "Probably Damaging"; Align-GVGD: "Class C0"). This variant is present in population databases (rs755288111, gnomAD 0.007%). This sequence change replaces aspartic acid, which is acidic and polar, with asparagine, which is neutral and polar, at codon 188 of the SIGMAR1 protein (p.Asp188Asn).